The following is an entry in ClinVar:

ClinVar aggregate classification (germline): Uncertain significance. Review status: criteria provided, multiple submitters, no conflicts (2 of 4 stars). 4 submissions from 4 submitters: Uncertain significance (4). Last evaluated 2025-11-08.

Conditions:
Developmental and epileptic encephalopathy, 18 (DEE18). Also called: Early infantile epileptic encephalopathy 18. Identifiers: Orphanet 369894, MedGen C3809624, MONDO:0014201, OMIM 615476.
Inborn genetic diseases. Identifiers: MedGen C0950123, MeSH D030342.

Allele frequency attached by ClinVar (database versions not stated): ExAC 0.00001; gnomAD 0.00002 and 0.00003; gnomAD exomes 0.00002 and 0.00003; TOPMed 0.00003; ESP Exome Variant Server 0.00008.
gnomAD v4.1: 36 of 1,614,020 alleles (0.0022%); highest among the groups gnomAD compares: Non-Finnish European, 0.003%; no homozygotes.

Submissions (4):

Ambry Genetics
Classification: Uncertain significance for Inborn genetic diseases. Last evaluated: 2025-11-08. Review status: criteria provided, single submitter. Criteria: Ambry Variant Classification Scheme 2023. Collection method: clinical testing. Allele origin: germline.

Labcorp Genetics (formerly Invitae), Labcorp
Classification: Uncertain significance. Last evaluated: 2025-01-24. Review status: criteria provided, single submitter. Criteria: Invitae Variant Classification Sherloc (09022015). Collection method: clinical testing. Allele origin: germline.
Comment: This sequence change replaces glycine, which is neutral and non-polar, with glutamic acid, which is acidic and polar, at codon 2110 of the SZT2 protein (p.Gly2110Glu). This variant is present in population databases (rs146540759, gnomAD 0.007%). This variant has not been reported in the literature in individuals affected with SZT2-related conditions. ClinVar contains an entry for this variant (Variation ID: 845344). Invitae Evidence Modeling of protein sequence and biophysical properties (such as structural, functional, and spatial information, amino acid conservation, physicochemical variation, residue mobility, and thermodynamic stability) indicates that this missense variant is expected to disrupt SZT2 protein function with a positive predictive value of 80%. In summary, the available evidence is currently insufficient to determine the role of this variant in disease. Therefore, it has been classified as a Variant of Uncertain Significance.

Baylor Genetics
Classification: Uncertain significance for Developmental and epileptic encephalopathy, 18. Last evaluated: 2023-08-09. Review status: criteria provided, single submitter. Criteria: ACMG Guidelines, 2015. Collection method: clinical testing. Allele origin: unknown.

Genome-Nilou Lab
Classification: Uncertain significance for Developmental and epileptic encephalopathy, 18. Last evaluated: 2023-04-11. Review status: criteria provided, single submitter. Criteria: ACMG Guidelines, 2015. Collection method: clinical testing. Allele origin: germline. Affected: no.

NM_001365999.1(SZT2):c.6500G>A (p.Gly2167Glu)

Gene: SZT2 (SZT2 subunit of KICSTOR complex; plus strand). Cytogenetic location: 1p34.2.
Variant type: single nucleotide variant.
Coding change: c.6500G>A on transcript NM_001365999.1 (MANE Select); coding-DNA position 6500, G replaced by A.
Protein change: p.Gly2167Glu; replaces glycine 2167 with glutamic acid.
Molecular consequence: missense variant.
Genome position (GRCh38, 1-based): chr1:43,437,894, G>A. VCF-style: chr1-43437894-G-A. GRCh37 (hg19) VCF-style: chr1-43903565-G-A.
Other names: c.6329G>A, p.Gly2110Glu (NM_015284.4); short protein forms G2110E, G2167E.
Identifiers: ClinVar variation 845344 (VCV000845344.12), dbSNP rs146540759, ClinGen allele CA809904.